The following is an entry in ClinVar:

NM_003051.4(SLC16A1):c.83T>C (p.Ile28Thr)

Gene: SLC16A1 (solute carrier family 16 member 1; minus strand). Cytogenetic location: 1p13.2.
Variant type: single nucleotide variant.
Coding change: c.83T>C on transcript NM_003051.4 (MANE Select); coding-DNA position 83, T replaced by C.
Protein change: p.Ile28Thr; replaces isoleucine 28 with threonine.
Molecular consequence: missense variant.
Genome position (GRCh38, 1-based): chr1:112,929,226, A>G on the plus strand (T>C on the coding strand, the complement: SLC16A1 is on the minus strand). VCF-style: chr1-112929226-A-G. GRCh37 (hg19) VCF-style: chr1-113471848-A-G.
Other names: c.83T>C, p.Ile28Thr (NM_001166496.2); short protein forms I28T.
Identifiers: ClinVar variation 2124614 (VCV002124614.4), dbSNP rs2525134719, ClinGen allele CA341826433.

ClinVar aggregate classification (germline): Uncertain significance (1 of 4 stars; one submission).

Submission:

Labcorp Genetics (formerly Invitae), Labcorp
Classification: Uncertain significance. Last evaluated: 2022-04-11. Review status: criteria provided, single submitter. Criteria: Invitae Variant Classification Sherloc (09022015). Collection method: clinical testing. Allele origin: germline.
Comment: In summary, the available evidence is currently insufficient to determine the role of this variant in disease. Therefore, it has been classified as a Variant of Uncertain Significance. Algorithms developed to predict the effect of missense changes on protein structure and function are either unavailable or do not agree on the potential impact of this missense change (SIFT: "Deleterious"; PolyPhen-2: "Probably Damaging"; Align-GVGD: "Class C0"). This variant has not been reported in the literature in individuals affected with SLC16A1-related conditions. This variant is not present in population databases (gnomAD no frequency). This sequence change replaces isoleucine, which is neutral and non-polar, with threonine, which is neutral and polar, at codon 28 of the SLC16A1 protein (p.Ile28Thr).